The following is an entry in ClinVar:

NM_005559.4(LAMA1):c.462C>G (p.Val154=)

Gene: LAMA1 (laminin subunit alpha 1; minus strand). Cytogenetic location: 18p11.31.
Variant type: single nucleotide variant.
Coding change: c.462C>G on transcript NM_005559.4 (MANE Select); coding-DNA position 462, C replaced by G.
Protein change: p.Val154=; no amino-acid change (valine 154 retained).
Molecular consequence: synonymous variant.
Genome position (GRCh38, 1-based): chr18:7,050,820, G>C on the plus strand (C>G on the coding strand, the complement: LAMA1 is on the minus strand). VCF-style: chr18-7050820-G-C. GRCh37 (hg19) VCF-style: chr18-7050819-G-C.
Identifiers: ClinVar variation 1546351 (VCV001546351.11), dbSNP rs149932824, ClinGen allele CA8883291.

ClinVar aggregate classification (germline): Likely benign. Review status: criteria provided, multiple submitters, no conflicts (2 of 4 stars). 3 submissions from 3 submitters: Likely benign (3). Last evaluated 2026-05-01.

Allele frequency attached by ClinVar (database versions not stated): gnomAD exomes 0.00001 and 0.00003; ExAC 0.00003; gnomAD 0.00011; ESP Exome Variant Server 0.00015; TOPMed 0.00021.
gnomAD v4.1: 35 of 1,614,012 alleles (0.0022%); highest among the groups gnomAD compares: African/African-American, 0.039%; no homozygotes.

Submissions (3):

CeGaT Center for Human Genetics Tuebingen
Classification: Likely benign. Last evaluated: 2026-05-01. Review status: criteria provided, single submitter. Criteria: CeGaT Center For Human Genetics Tuebingen Variant Classification Criteria Version 2. Collection method: clinical testing. Allele origin: germline. Affected: yes. Observed: 1 variant allele.
Comment: LAMA1: BP4, BP7

Labcorp Genetics (formerly Invitae), Labcorp
Classification: Likely benign. Last evaluated: 2024-12-14. Review status: criteria provided, single submitter. Criteria: Invitae Variant Classification Sherloc (09022015). Collection method: clinical testing. Allele origin: germline.

Blueprint Genetics
Classification: Likely benign. Last evaluated: 2023-08-11. Review status: criteria provided, single submitter. Criteria: ACMG Guidelines, 2015. Collection method: clinical testing. Allele origin: germline.